The following is an entry in ClinVar:

ClinVar aggregate classification (germline): Uncertain significance (1 of 4 stars; one submission).

Conditions:
Fanconi anemia (FA). Also called: Fanconi's anemia. Identifiers: Orphanet 84, MedGen C0015625, MeSH D005199, MONDO:0019391.

Submission:

Labcorp Genetics (formerly Invitae), Labcorp
Classification: Uncertain significance for Fanconi anemia. Last evaluated: 2024-04-16. Review status: criteria provided, single submitter. Criteria: Invitae Variant Classification Sherloc (09022015). Collection method: clinical testing. Allele origin: germline.
Comment: This sequence change replaces threonine, which is neutral and polar, with proline, which is neutral and non-polar, at codon 900 of the FANCM protein (p.Thr900Pro). This variant is not present in population databases (gnomAD no frequency). This variant has not been reported in the literature in individuals affected with FANCM-related conditions. ClinVar contains an entry for this variant (Variation ID: 1998425). An algorithm developed to predict the effect of missense changes on protein structure and function (PolyPhen-2) suggests that this variant is likely to be tolerated. In summary, the available evidence is currently insufficient to determine the role of this variant in disease. Therefore, it has been classified as a Variant of Uncertain Significance.

NM_020937.4(FANCM):c.2698A>C (p.Thr900Pro)

Gene: FANCM (FA complementation group M; plus strand). Cytogenetic location: 14q21.2.
Variant type: single nucleotide variant.
Coding change: c.2698A>C on transcript NM_020937.4 (MANE Select); coding-DNA position 2698, A replaced by C.
Protein change: p.Thr900Pro; replaces threonine 900 with proline.
Molecular consequence: missense variant.
Genome position (GRCh38, 1-based): chr14:45,175,452, A>C. VCF-style: chr14-45175452-A-C. GRCh37 (hg19) VCF-style: chr14-45644655-A-C.
Other names: c.2620A>C, p.Thr874Pro (NM_001308133.2); short protein forms T874P, T900P.
Identifiers: ClinVar variation 1998425 (VCV001998425.4), dbSNP rs1298370104, ClinGen allele CA389598817.
Genomic context (GRCh38, chr14:45,175,452, plus strand): 5'-AATGACAGAAATTCCACTGTTGAAAATATTTTTCAAGAAGACCTACCAAATGATAAAAGG[A>C]CATCAGATACAGATGAAATTGCTGCCACATGTACTATTAATGAAAATGTTATTAAAGAAC-3'
Protein context (NP_065988.1, residues 890-910): FQEDLPNDKR[Thr900Pro]SDTDEIAATC